The following is an entry in ClinVar:

NM_012213.3(MLYCD):c.85A>C (p.Ser29Arg)

Genes: MLYCD (malonyl-CoA decarboxylase; plus strand), LOC130059554 (ATAC-STARR-seq lymphoblastoid silent region 7769; plus strand). Cytogenetic location: 16q23.3.
Variant type: single nucleotide variant.
Coding change: c.85A>C on transcript NM_012213.3 (MANE Select); coding-DNA position 85, A replaced by C.
Protein change: p.Ser29Arg; replaces serine 29 with arginine.
Molecular consequence: missense variant.
Genome position (GRCh38, 1-based): chr16:83,899,229, A>C. VCF-style: chr16-83899229-A-C. GRCh37 (hg19) VCF-style: chr16-83932834-A-C.
Other names: short protein forms S29R.
Identifiers: ClinVar variation 1982728 (VCV001982728.4), dbSNP rs2507370574, ClinGen allele CA396917608.

ClinVar aggregate classification (germline): Uncertain significance (1 of 4 stars; one submission).

Conditions:
Deficiency of malonyl-CoA decarboxylase. Also called: Malonic aciduria; MCD deficiency. Identifiers: Orphanet 943, MedGen C0342793, MONDO:0009556, OMIM 248360.

Submission:

Labcorp Genetics (formerly Invitae), Labcorp
Classification: Uncertain significance for Deficiency of malonyl-CoA decarboxylase. Last evaluated: 2024-02-26. Review status: criteria provided, single submitter. Criteria: Invitae Variant Classification Sherloc (09022015). Collection method: clinical testing. Allele origin: germline.
Comment: This sequence change replaces serine, which is neutral and polar, with arginine, which is basic and polar, at codon 29 of the MLYCD protein (p.Ser29Arg). This variant is not present in population databases (gnomAD no frequency). This variant has not been reported in the literature in individuals affected with MLYCD-related conditions. ClinVar contains an entry for this variant (Variation ID: 1982728). An algorithm developed to predict the effect of missense changes on protein structure and function (PolyPhen-2) suggests that this variant is likely to be tolerated. In summary, the available evidence is currently insufficient to determine the role of this variant in disease. Therefore, it has been classified as a Variant of Uncertain Significance.